The following is an entry in ClinVar:

NM_001101.5(ACTB):c.307G>C (p.Val103Leu)

Gene: ACTB (actin beta; minus strand). Cytogenetic location: 7p22.1.
Variant type: single nucleotide variant.
Coding change: c.307G>C on transcript NM_001101.5 (MANE Select); coding-DNA position 307, G replaced by C.
Protein change: p.Val103Leu; replaces valine 103 with leucine.
Molecular consequence: missense variant.
Genome position (GRCh38, 1-based): chr7:5,529,217, C>G on the plus strand (G>C on the coding strand, the complement: ACTB is on the minus strand). VCF-style: chr7-5529217-C-G. GRCh37 (hg19) VCF-style: chr7-5568848-C-G.
Other names: c.307G>C (LRG_132t1); short protein forms V103L.
Identifiers: ClinVar variation 127165 (VCV000127165.4), dbSNP rs587779772, ClinGen allele CA213213.

ClinVar aggregate classification (germline): Conflicting classifications of pathogenicity. Review status: criteria provided, conflicting classifications (1 of 4 stars). 3 submissions from 3 submitters: Likely pathogenic (1); Uncertain significance (1). 1 of the submissions does not count toward it. Last evaluated 2025-02-03.

Conditions:
Baraitser-Winter syndrome. Also called: Baraitser-Winter cerebrofrontofacial syndrome; CEREBROOCULOFACIAL LYMPHATIC SYNDROME; COFL SYNDROME; Fryns-Aftimos syndrome; Fryns-Aftimos Syndrome (Pachygyria, Mental Retardation, Epilepsy, and Characteristic Facies). Identifiers: Orphanet 2995, MedGen C1853623, MONDO:0017579.
Baraitser-Winter syndrome 1 (BRWS1). Also called: PACHYGYRIA, MENTAL RETARDATION, EPILEPSY, AND CHARACTERISTIC FACIES; MENTAL RETARDATION WITH EPILEPSY AND CHARACTERISTIC FACIES; Cerebrofrontofacial syndrome; BARAITSER-WINTER SYNDROME 1, ATYPICAL. Identifiers: Orphanet 2649, Orphanet 2995, MedGen C1855722, MONDO:0009470, OMIM 243310.

Submissions (3):

Victorian Clinical Genetics Services, Murdoch Childrens Research Institute
Classification: Likely pathogenic for Baraitser-Winter syndrome 1. Last evaluated: 2025-02-03. Review status: criteria provided, single submitter. Criteria: ACMG Guidelines, 2015. Collection method: clinical testing. Allele origin: germline. Affected: yes.
Comment: This variant is classified as Likely pathogenic. Evidence in support of pathogenic classification: Variant is absent from gnomAD (v2, v3 and v4); Missense variant in a region that is highly intolerant to missense variation (high constraint region in DECIPHER); Additional information: Variant is predicted to result in a missense amino acid change from valine to leucine; This variant is heterozygous; This gene is associated with autosomal dominant disease; Previous reports of pathogenicity for this variant are conflicting. This variant has been classified as pathogenic and as a VUS by clinical laboratories in ClinVar; the same individual from the pathogenic entry has been described in the literature with Baraitser-Winter malformation syndrome (BWMS) (PMID: 25052316); No published segregation evidence has been identified for this variant; No published functional evidence has been identified for this variant; Another missense variant(s) comparable to the one identified in this case has inconclusive previous evidence for pathogenicity. p.(Val103Met) has been classified as a VUS by a clinical laboratory in ClinVar; Missense variant with inconclusive in silico prediction and/or uninformative conservation; Loss of function is a known mechanism of disease in this gene and is associated with thrombocytopenia 8, with dysmorphic features and developmental delay (MIM#620475). Gain of function, dominant negative and loss of function are all suggested mechanisms for variants associated with Baraitser-Winter syndrome (MIM#243310; PMID: 29220674). The mechanism of dystonia-deafness syndrome 1 (MIM#607371) caused by the recurring p.(Arg183Trp) variant is unclear; however, gain of function has been suggested (PMID: 25255767); Variants in this gene are known to have variable expressivity. High clinical variability has been observed between individuals with Baraitser-Winter syndrome who harbour the same variant (PMID: 26583190, PMID: 30315159).

Labcorp Genetics (formerly Invitae), Labcorp
Classification: Uncertain significance for Baraitser-Winter syndrome. Last evaluated: 2018-12-11. Review status: criteria provided, single submitter. Criteria: Invitae Variant Classification Sherloc (09022015). Collection method: clinical testing. Allele origin: germline.
Comment: This sequence change replaces valine with leucine at codon 103 of the ACTB protein (p.Val103Leu). The valine residue is highly conserved and there is a small physicochemical difference between valine and leucine. This variant is not present in population databases (ExAC no frequency). This variant has been observed in an individual with some clinical features of Baraitserâ€šÃ„Ã¬Winter malformation syndromeÂ¬â€ (PMID:Â¬â€ 25052316). ClinVar contains an entry for this variant (Variation ID: 127165). Algorithms developed to predict the effect of missense changes on protein structure and function (SIFT, PolyPhen-2, Align-GVGD) all suggest that this variant is likely to be tolerated, but these predictions have not been confirmed by published functional studies and their clinical significance is uncertain. In summary, the available evidence is currently insufficient to determine the role of this variant in disease. Therefore, it has been classified as a Variant of Uncertain Significance.

Department of Genetics, Robert DEBRE University Hospital
Classification: Pathogenic for Iris coloboma with ptosis, hypertelorism, and mental retardation. Last evaluated: 2014-04-15. Review status: no assertion criteria provided. Collection method: clinical testing. Allele origin: germline. Affected: yes. Observed: 1 variant allele. Not counted in ClinVar's aggregate classification.

Literature cited by the submitters: PubMed 30315159 (cited by Victorian Clinical Genetics Services, Murdoch Childrens Research Institute); PubMed 25255767 (cited by Victorian Clinical Genetics Services, Murdoch Childrens Research Institute); PubMed 25052316 (cited by Victorian Clinical Genetics Services, Murdoch Childrens Research Institute and Department of Genetics, Robert DEBRE University Hospital); PubMed 29220674 (cited by Victorian Clinical Genetics Services, Murdoch Childrens Research Institute); PubMed 26583190 (cited by Victorian Clinical Genetics Services, Murdoch Childrens Research Institute).